The following is an entry in ClinVar:

NM_017886.4(ULK4):c.1624G>A (p.Ala542Thr)

Gene: ULK4 (unc-51 like kinase 4; minus strand). Cytogenetic location: 3p22.1.
Variant type: single nucleotide variant.
Coding change: c.1624G>A on transcript NM_017886.4 (MANE Select); coding-DNA position 1624, G replaced by A.
Protein change: p.Ala542Thr; replaces alanine 542 with threonine.
Molecular consequence: missense variant. On other transcripts: non-coding transcript variant (1).
Genome position (GRCh38, 1-based): chr3:41,883,906, C>T on the plus strand (G>A on the coding strand, the complement: ULK4 is on the minus strand). VCF-style: chr3-41883906-C-T. GRCh37 (hg19) VCF-style: chr3-41925398-C-T.
Other names: c.1624G>A, p.Ala542Thr (NM_001322500.2); c.718G>A, p.Ala240Thr (NM_001322501.2); short protein forms A542T, A240T.
Identifiers: ClinVar variation 403584 (VCV000403584.5), dbSNP rs1052501, ClinGen allele CA2332234.
Genomic context (GRCh38, chr3:41,883,906, plus strand): 5'-ATCACATTTAAGTAATAAAAGACATTACCTCAACAACAGGTGTATTTTCCTGGAGCTCAG[C>T]TGTGTGCGAAGCCAGTAAACCAATTACGTGAGCAACCTTGGCCCGTCTGTAAATGGAGAG-3'
Protein context (NP_060356.2, residues 532-552): HVIGLLASHT[Ala542Thr]ELQENTPVVE

ClinVar aggregate classification (germline): Benign. Review status: criteria provided, multiple submitters, no conflicts (2 of 4 stars). 2 submissions from 2 submitters: Benign (2). Last evaluated 2016-03-29.

Allele frequency attached by ClinVar (database versions not stated): TOPMed 0.67664; gnomAD 0.67826 and 0.68848; ESP Exome Variant Server 0.68310; 1000 Genomes Project 30x 0.68520; 1000 Genomes Project 0.68850; ExAC 0.78848; gnomAD exomes 0.79552 and 0.82105.
gnomAD v4.1: 1,297,601 of 1,606,958 alleles (81%); highest among the groups gnomAD compares: East Asian, 85%; 533,317 homozygotes.

Submissions (2):

Laboratory for Molecular Medicine, Mass General Brigham Personalized Medicine
Classification: Benign. Last evaluated: 2016-03-29. Review status: criteria provided, single submitter. Criteria: LMM Criteria. Collection method: clinical testing. Allele origin: germline.
Comment: Variant identified in a genome or exome case(s) and assessed due to predicted null impact of the variant or pathogenic assertions in the literature or databases. Disclaimer: This variant has not undergone full assessment. The following are preliminary notes: Frequency

Breakthrough Genomics
Classification: Benign. Review status: criteria provided, single submitter. Criteria: ACMG Guidelines, 2015. Collection method: not provided. Allele origin: germline. Inheritance: Unknown mechanism. Affected: yes.